The following is an entry in ClinVar:

NM_153240.5(NPHP3):c.52del (p.Asp18fs)

Genes: NPHP3-AS1 (NPHP3 antisense RNA 1; plus strand), NPHP3 (nephrocystin 3; minus strand), NPHP3-ACAD11 (NPHP3-ACAD11 readthrough (NMD candidate); minus strand), LOC129937586 (ATAC-STARR-seq lymphoblastoid silent region 14743; plus strand). Cytogenetic location: 3q22.1.
Variant type: Deletion.
Coding change: c.52del on transcript NM_153240.5 (MANE Select); coding-DNA position 52, one base deleted (G; older notation c.52delG).
Protein change: p.Asp18fs; shifts the reading frame from aspartic acid 18.
Molecular consequence: frameshift variant. On other transcripts: non-coding transcript variant (3).
Genome position (GRCh38, 1-based): chr3:132,722,304, C deleted on the plus strand (G on the coding strand, the reverse complement: NPHP3 is on the minus strand); the first of 2 consecutive C bases (chr3:132,722,304-132,722,305); deleting either gives the same sequence. VCF-style (leftmost placement, unchanged base first): chr3-132722303-TC-T. GRCh37 (hg19) VCF-style: chr3-132441147-TC-T.
Other names: short protein forms D18fs.
Identifiers: ClinVar variation 1677181 (VCV001677181.1), dbSNP rs2108008280, ClinGen allele CA2573136553.

ClinVar aggregate classification (germline): Likely pathogenic (1 of 4 stars; one submission).

Conditions:
Joubert syndrome and related disorders. Identifiers: Orphanet 140874, MedGen C5679612, MONDO:0015369.

Submission:

Women's Health and Genetics/Laboratory Corporation of America, LabCorp
Classification: Likely pathogenic for Joubert syndrome and related disorders. Last evaluated: 2022-03-23. Review status: criteria provided, single submitter. Criteria: LabCorp Variant Classification Summary - May 2015. Collection method: clinical testing. Allele origin: germline.
Comment: Variant summary: NPHP3 c.52delG (p.Asp18ThrfsX17) results in a premature termination codon, predicted to cause a truncation of the encoded protein or absence of the protein due to nonsense mediated decay, which are commonly known mechanisms for disease. Truncations downstream of this position have been classified as pathogenic by our laboratory. The variant was absent in 210906 control chromosomes (gnomAD). To our knowledge, no occurrence of c.52delG in individuals affected with Joubert Syndrome And Related Disorders and no experimental evidence demonstrating its impact on protein function have been reported. No clinical diagnostic laboratories have submitted clinical-significance assessments for this variant to ClinVar after 2014. Based on the evidence outlined above, the variant was classified as likely pathogenic.